The following is an entry in ClinVar:

NM_000091.5(COL4A3):c.599C>T (p.Pro200Leu)

Genes: COL4A3 (collagen type IV alpha 3 chain; plus strand), MFF-DT (MFF divergent transcript; minus strand). Cytogenetic location: 2q36.3.
Variant type: single nucleotide variant.
Coding change: c.599C>T on transcript NM_000091.5 (MANE Select); coding-DNA position 599, C replaced by T.
Protein change: p.Pro200Leu; replaces proline 200 with leucine.
Molecular consequence: missense variant.
Genome position (GRCh38, 1-based): chr2:227,251,192, C>T. VCF-style: chr2-227251192-C-T. GRCh37 (hg19) VCF-style: chr2-228115908-C-T.
Other names: short protein forms P200L.
Identifiers: ClinVar variation 1300933 (VCV001300933.10), dbSNP rs368480491, ClinGen allele CA2146221.

ClinVar aggregate classification (germline): Conflicting classifications of pathogenicity. Review status: criteria provided, conflicting classifications (1 of 4 stars). 3 submissions from 3 submitters: Uncertain significance (2); Likely benign (1). Last evaluated 2024-01-10.

Allele frequency attached by ClinVar (database versions not stated): gnomAD exomes 0.00004 and 0.00006; TOPMed 0.00004; gnomAD 0.00006 and 0.00007; ExAC 0.00007; ESP Exome Variant Server 0.00017.
gnomAD v4.1: 61 of 1,613,394 alleles (0.0038%); highest among the groups gnomAD compares: Admixed American, 0.02%; no homozygotes.

Submissions (3):

Blueprint Genetics
Classification: Uncertain significance. Last evaluated: 2024-01-10. Review status: criteria provided, single submitter. Criteria: ACMG Guidelines, 2015. Collection method: clinical testing. Allele origin: germline.

Labcorp Genetics (formerly Invitae), Labcorp
Classification: Likely benign. Last evaluated: 2023-11-17. Review status: criteria provided, single submitter. Criteria: Invitae Variant Classification Sherloc (09022015). Collection method: clinical testing. Allele origin: germline.

GeneDx
Classification: Uncertain significance. Last evaluated: 2021-10-12. Review status: criteria provided, single submitter. Criteria: GeneDx Variant Classification Process June 2021. Collection method: clinical testing. Allele origin: germline. Affected: yes.
Comment: Observed with a COL4A4 variant in a patient with Alport syndrome in published literature (Gillion et al., 2018); however, clinical data are absent or limited; In silico analysis supports that this missense variant has a deleterious effect on protein structure/function; Occurs in the triple helical domain at the Y position in the canonical Gly-X-Y repeat; although this variant may have an effect on normal protein folding and function, missense substitution at the Y position is not a common mechanism of disease; This variant is associated with the following publications: (PMID: 29854973)